The following is an entry in ClinVar:

ClinVar aggregate classification (germline): Uncertain significance (1 of 4 stars; one submission).

Submission:

GeneDx
Classification: Uncertain significance. Last evaluated: 2024-05-29. Review status: criteria provided, single submitter. Criteria: GeneDx Variant Classification Process June 2021. Collection method: clinical testing. Allele origin: germline. Affected: yes.
Comment: Not observed at significant frequency in large population cohorts (gnomAD); In silico analysis indicates that this variant does not alter protein structure/function; Has not been previously published as pathogenic or benign to our knowledge

NM_001128228.3(TPRN):c.404_405delinsTT (p.Arg135Leu)

Gene: TPRN (taperin; minus strand). Cytogenetic location: 9q34.3.
Variant type: Indel.
Coding change: c.404_405delinsTT on transcript NM_001128228.3 (MANE Select); coding-DNA positions 404 to 405, GC replaced by TT.
Protein change: p.Arg135Leu; replaces arginine 135 with leucine.
Molecular consequence: missense variant.
Genome position (GRCh38, 1-based): chr9:137,200,307-137,200,308, GC replaced by AA on the plus strand (GC replaced by TT on the coding strand, the reverse complement: TPRN is on the minus strand). VCF-style: chr9-137200307-GC-AA. GRCh37 (hg19) VCF-style: chr9-140094759-GC-AA.
Other names: short protein forms R135L.
Identifiers: ClinVar variation 3383800 (VCV003383800.1).